The following is an entry in ClinVar:

NM_005419.4(STAT2):c.656C>T (p.Ala219Val)

Gene: STAT2 (signal transducer and activator of transcription 2; minus strand). Cytogenetic location: 12q13.3.
Variant type: single nucleotide variant.
Coding change: c.656C>T on transcript NM_005419.4 (MANE Select); coding-DNA position 656, C replaced by T.
Protein change: p.Ala219Val; replaces alanine 219 with valine.
Molecular consequence: missense variant.
Genome position (GRCh38, 1-based): chr12:56,354,592, G>A on the plus strand (C>T on the coding strand, the complement: STAT2 is on the minus strand). VCF-style: chr12-56354592-G-A. GRCh37 (hg19) VCF-style: chr12-56748376-G-A.
Other names: c.644C>T, p.Ala215Val (NM_001385110.1, NM_001385115.1, NM_198332.2); c.656C>T, p.Ala219Val (NM_001385111.1, NM_001385113.1, NM_001385114.1); short protein forms A215V, A219V.
Identifiers: ClinVar variation 1400971 (VCV001400971.8), dbSNP rs1193099859, ClinGen allele CA385262785.
Genomic context (GRCh38, chr12:56,354,592, plus strand): 5'-TTCCACTCCTCCAACTTTGGCAGCAGTAGCTCGATTAGGGTAGTTAATCGGCCTAGCAGT[G>A]CTTTGGAGGCATCCAGCACCTCCTGGGAAAGAGATAATGTGAGTGTTGAGCATCTCTCCC-3'
Protein context (NP_005410.1, residues 209-229): RRKEVLDASK[Ala219Val]LLGRLTTLIE

ClinVar aggregate classification (germline): Uncertain significance (1 of 4 stars; one submission).

Conditions:
Primary immunodeficiency with post-measles-mumps-rubella vaccine viral infection. Also called: Immunodeficiency 44. Identifiers: Orphanet 431166, MedGen C4225260, MONDO:0014715, OMIM 616636.

Allele frequency attached by ClinVar (database versions not stated): gnomAD 0.00001.
gnomAD v4.1: 1 of 1,614,078 alleles (0.000062%); highest among the groups gnomAD compares: Non-Finnish European, 0.000085%; no homozygotes.

Submission:

Labcorp Genetics (formerly Invitae), Labcorp
Classification: Uncertain significance for Primary immunodeficiency with post-measles-mumps-rubella vaccine viral infection. Last evaluated: 2022-03-07. Review status: criteria provided, single submitter. Criteria: Invitae Variant Classification Sherloc (09022015). Collection method: clinical testing. Allele origin: germline.
Comment: This sequence change replaces alanine, which is neutral and non-polar, with valine, which is neutral and non-polar, at codon 219 of the STAT2 protein (p.Ala219Val). This variant is present in population databases (no rsID available, gnomAD 0.007%). This variant has not been reported in the literature in individuals affected with STAT2-related conditions. Algorithms developed to predict the effect of missense changes on protein structure and function (SIFT, PolyPhen-2, Align-GVGD) all suggest that this variant is likely to be tolerated. In summary, the available evidence is currently insufficient to determine the role of this variant in disease. Therefore, it has been classified as a Variant of Uncertain Significance.